The following is an entry in ClinVar:

ClinVar aggregate classification (germline): Likely benign (1 of 4 stars; one submission).

Conditions:
Cardiomyopathy (CMYO). Also called: Cardiomyopathies. Identifiers: Orphanet 167848, MedGen C0878544, MONDO:0004994, HP:0001638. Inheritance: Various modes of inheritance.

Allele frequency attached by ClinVar (database versions not stated): gnomAD exomes below 0.00001.
gnomAD v4.1: 1 of 1,614,210 alleles (0.000062%); highest among the groups gnomAD compares: Non-Finnish European, 0.000085%; no homozygotes.

Submission:

All of Us Research Program, National Institutes of Health
Classification: Likely benign for Cardiomyopathy. Last evaluated: 2023-10-27. Review status: criteria provided, single submitter. Criteria: ACMG Guidelines, 2015. Collection method: clinical testing. Allele origin: germline. Inheritance: Autosomal dominant inheritance. Observed: 1 variant allele, 1 heterozygote.
Comment: This study involves interpretation of variants in research participants for the purpose of population health screening. Participant phenotype was not available at the time of variant classification. Additional details can be found in publication PMID: 35346344, PMCID: PMC8962531

NM_001276345.2(TNNT2):c.510G>A (p.Glu170=)

Gene: TNNT2 (troponin T2, cardiac type; minus strand). Cytogenetic location: 1q32.1.
Variant type: single nucleotide variant.
Coding change: c.510G>A on transcript NM_001276345.2 (MANE Select); coding-DNA position 510, G replaced by A.
Protein change: p.Glu170=; no amino-acid change (glutamic acid 170 retained).
Molecular consequence: synonymous variant.
Genome position (GRCh38, 1-based): chr1:201,363,386, C>T on the plus strand (G>A on the coding strand, the complement: TNNT2 is on the minus strand). VCF-style: chr1-201363386-C-T. GRCh37 (hg19) VCF-style: chr1-201332514-C-T.
Other names: c.510G>A, p.Glu170= (NM_000364.4, NM_001406723.1); c.480G>A, p.Glu160= (NM_001001430.3, NM_001001431.3, NM_001276347.2 and 3 more transcripts); c.465G>A, p.Glu155= (NM_001001432.3, NM_001406728.1); c.390G>A, p.Glu130= (NM_001276346.2); c.477G>A, p.Glu159= (NM_001406725.1).
Identifiers: ClinVar variation 3074176 (VCV003074176.1), dbSNP rs2526977231, ClinGen allele CA422531910.